The following is an entry in ClinVar:

ClinVar aggregate classification (germline): Uncertain significance (1 of 4 stars; one submission).

Conditions:
Senior-Loken syndrome 7 (SLSN7). Identifiers: Orphanet 3156, MedGen C3150877, MONDO:0013326, OMIM 613615.
Bardet-Biedl syndrome 16 (BBS16). Identifiers: Orphanet 110, MedGen C3889474, MONDO:0014444, OMIM 615993.

Submission:

Labcorp Genetics (formerly Invitae), Labcorp
Classification: Uncertain significance for Bardet-Biedl syndrome 16; Senior-Loken syndrome 7. Last evaluated: 2020-08-04. Review status: criteria provided, single submitter. Criteria: Invitae Variant Classification Sherloc (09022015). Collection method: clinical testing. Allele origin: germline.
Comment: This sequence change replaces arginine with methionine at codon 370 of the SDCCAG8 protein (p.Arg370Met). The arginine residue is highly conserved and there is a moderate physicochemical difference between arginine and methionine. This variant is not present in population databases (ExAC no frequency). This variant has not been reported in the literature in individuals with SDCCAG8-related conditions. Algorithms developed to predict the effect of missense changes on protein structure and function are either unavailable or do not agree on the potential impact of this missense change (SIFT: "Deleterious"; PolyPhen-2: "Probably Damaging"; Align-GVGD: "Class C0"). In summary, the available evidence is currently insufficient to determine the role of this variant in disease. Therefore, it has been classified as a Variant of Uncertain Significance.

NM_006642.5(SDCCAG8):c.1109G>T (p.Arg370Met)

Gene: SDCCAG8 (SHH signaling and ciliogenesis regulator SDCCAG8; plus strand). Cytogenetic location: 1q43.
Variant type: single nucleotide variant.
Coding change: c.1109G>T on transcript NM_006642.5 (MANE Select); coding-DNA position 1109, G replaced by T.
Protein change: p.Arg370Met; replaces arginine 370 with methionine.
Molecular consequence: missense variant.
Genome position (GRCh38, 1-based): chr1:243,330,580, G>T. VCF-style: chr1-243330580-G-T. GRCh37 (hg19) VCF-style: chr1-243493882-G-T.
Other names: c.206G>T, p.Arg69Met (NM_001350246.2, NM_001350247.2, NM_001350251.2); c.1205G>T, p.Arg402Met (NM_001350248.2); c.815G>T, p.Arg272Met (NM_001350249.2); short protein forms R272M, R370M, R402M, R69M.
Identifiers: ClinVar variation 1011159 (VCV001011159.8), dbSNP rs1471866292, ClinGen allele CA345482562.